The following is an entry in ClinVar:

ClinVar aggregate classification (germline): Conflicting classifications of pathogenicity. Review status: criteria provided, conflicting classifications (1 of 4 stars). 3 submissions from 3 submitters: Uncertain significance (2); Likely benign (1). Last evaluated 2025-10-03.

Conditions:
Hereditary cancer-predisposing syndrome. Also called: Neoplastic Syndromes, Hereditary; Tumor predisposition; Hereditary neoplastic syndrome; Hereditary Cancer Syndrome. Identifiers: Orphanet 140162, MedGen C0027672, MeSH D009386, MONDO:0015356.
Hereditary breast ovarian cancer syndrome. Also called: Hereditary breast and ovarian cancer syndrome; Hereditary breast and ovarian cancer; Hereditary breast and ovarian cancer syndrome (HBOC); Breast and ovarian cancer; Hereditary breast and/or ovarian cancer syndrome; BRCA1- and BRCA2-Associated Hereditary Breast and Ovarian Cancer. Identifiers: Orphanet 145, MedGen C0677776, MeSH D061325, MONDO:0003582. Disease mechanism: loss of function.

gnomAD v4.1: 2 of 1,613,988 alleles (0.00012%); highest among the groups gnomAD compares: South Asian, 0.0022%; no homozygotes.

Submissions (3):

Labcorp Genetics (formerly Invitae), Labcorp
Classification: Uncertain significance for Hereditary breast ovarian cancer syndrome. Last evaluated: 2025-10-03. Review status: criteria provided, single submitter. Criteria: Invitae Variant Classification Sherloc (09022015). Collection method: clinical testing. Allele origin: germline.
Comment: This sequence change replaces glycine, which is neutral and non-polar, with arginine, which is basic and polar, at codon 1963 of the BRCA2 protein (p.Gly1963Arg). This variant is not present in population databases (gnomAD no frequency). This variant has not been reported in the literature in individuals affected with BRCA2-related conditions. ClinVar contains an entry for this variant (Variation ID: 826030). Invitae Evidence Modeling of protein sequence and biophysical properties (such as structural, functional, and spatial information, amino acid conservation, physicochemical variation, residue mobility, and thermodynamic stability) indicates that this missense variant is not expected to disrupt BRCA2 protein function with a negative predictive value of 95%. In summary, the available evidence is currently insufficient to determine the role of this variant in disease. Therefore, it has been classified as a Variant of Uncertain Significance.

Ambry Genetics
Classification: Uncertain significance for Hereditary cancer-predisposing syndrome. Last evaluated: 2023-11-21. Review status: criteria provided, single submitter. Criteria: Ambry Variant Classification Scheme 2023. Collection method: clinical testing. Allele origin: germline.
Comment: The p.G1963R variant (also known as c.5887G>A), located in coding exon 10 of the BRCA2 gene, results from a G to A substitution at nucleotide position 5887. The glycine at codon 1963 is replaced by arginine, an amino acid with dissimilar properties. This amino acid position is not well conserved in available vertebrate species. In addition, this alteration is predicted to be tolerated by in silico analysis. Since supporting evidence is limited at this time, the clinical significance of this alteration remains unclear.

University of Washington Department of Laboratory Medicine, University of Washington
Classification: Likely benign for Hereditary cancer-predisposing syndrome. Last evaluated: 2023-03-23. Review status: criteria provided, single submitter. Criteria: Dines et al. (Genet Med. 2020). Collection method: curation. Allele origin: germline.
Comment: Missense variant in a coldspot region where missense variants are very unlikely to be pathogenic (PMID:31911673).

BRCA2 exon 11 coldspot. Reclassification based on statistical prior probability.

NM_000059.4(BRCA2):c.5887G>A (p.Gly1963Arg)

Gene: BRCA2 (BRCA2 DNA repair associated; plus strand). Cytogenetic location: 13q13.1.
Variant type: single nucleotide variant.
Coding change: c.5887G>A on transcript NM_000059.4 (MANE Select); coding-DNA position 5887, G replaced by A.
Protein change: p.Gly1963Arg; replaces glycine 1963 with arginine.
Molecular consequence: missense variant.
Genome position (GRCh38, 1-based): chr13:32,340,242, G>A. VCF-style: chr13-32340242-G-A. GRCh37 (hg19) VCF-style: chr13-32914379-G-A.
Other names: short protein forms G1963R.
Identifiers: ClinVar variation 826030 (VCV000826030.10), dbSNP rs1593906819, ClinGen allele CA387787472.